The following is an entry in ClinVar:

NM_001354604.2(MITF):c.1531A>G (p.Ser511Gly)

Gene: MITF (melanocyte inducing transcription factor; plus strand). Cytogenetic location: 3p13.
Variant type: single nucleotide variant.
Coding change: c.1531A>G on transcript NM_001354604.2 (MANE Select); coding-DNA position 1531, A replaced by G.
Protein change: p.Ser511Gly; replaces serine 511 with glycine.
Molecular consequence: missense variant.
Genome position (GRCh38, 1-based): chr3:69,965,198, A>G. VCF-style: chr3-69965198-A-G. GRCh37 (hg19) VCF-style: chr3-70014349-A-G.
Other names: c.1210A>G, p.Ser404Gly (NM_000248.4); c.1357A>G, p.Ser453Gly (NM_001184967.2, NM_001354608.2); c.1528A>G, p.Ser510Gly (NM_001354605.2); c.1510A>G, p.Ser504Gly (NM_001354606.2, NM_006722.3); c.1462A>G, p.Ser488Gly (NM_001354607.2); c.1192A>G, p.Ser398Gly (NM_198158.3); c.1513A>G, p.Ser505Gly (NM_198159.3); c.1465A>G, p.Ser489Gly (NM_198177.3); and 1 more; short protein forms S342G, S398G, S404G, S453G, S488G, S489G, S504G, S505G.
Identifiers: ClinVar variation 3752358 (VCV003752358.4).

ClinVar aggregate classification (germline): Uncertain significance. Review status: criteria provided, multiple submitters, no conflicts (2 of 4 stars). 3 submissions from 3 submitters: Uncertain significance (3). Last evaluated 2025-03-02.

Conditions:
Hereditary cancer-predisposing syndrome. Also called: Hereditary neoplastic syndrome; Neoplastic Syndromes, Hereditary; Tumor predisposition; Hereditary Cancer Syndrome. Identifiers: Orphanet 140162, MedGen C0027672, MeSH D009386, MONDO:0015356.
Tietz syndrome (TADS). Also called: ALBINISM-DEAFNESS OF TIETZ; TIETZ ALBINISM-DEAFNESS SYNDROME; HYPOPIGMENTATION/DEAFNESS OF TIETZ. Identifiers: Orphanet 42665, MedGen C0391816, MONDO:0007077, OMIM 103500.
Waardenburg syndrome type 2A (WS2A). Also called: WAARDENBURG SYNDROME WITHOUT DYSTOPIA CANTHORUM. Identifiers: Orphanet 3440, MedGen C1860339, MONDO:0008671, OMIM 193510.
Melanoma, cutaneous malignant, susceptibility to, 8. Also called: MELANOMA AND RENAL CELL CARCINOMA, SUSCEPTIBILITY TO; Cutaneous malignant melanoma 8. Identifiers: Orphanet 293822, MedGen C3152204, MONDO:0013759, OMIM 614456.

Submissions (3):

Ambry Genetics
Classification: Uncertain significance for Hereditary cancer-predisposing syndrome. Last evaluated: 2025-03-02. Review status: criteria provided, single submitter. Criteria: Ambry Variant Classification Scheme 2023. Collection method: clinical testing. Allele origin: germline.
Comment: The p.S404G variant (also known as c.1210A>G), located in coding exon 9 of the MITF gene, results from an A to G substitution at nucleotide position 1210. The serine at codon 404 is replaced by glycine, an amino acid with similar properties. This amino acid position is conserved. In addition, the in silico prediction for this alteration is inconclusive. Based on the available evidence, the clinical significance of this variant remains unclear.

Labcorp Genetics (formerly Invitae), Labcorp
Classification: Uncertain significance for Melanoma, cutaneous malignant, susceptibility to, 8; Waardenburg syndrome type 2A; Tietz syndrome. Last evaluated: 2024-05-08. Review status: criteria provided, single submitter. Criteria: Invitae Variant Classification Sherloc (09022015). Collection method: clinical testing. Allele origin: germline.
Comment: This sequence change replaces serine, which is neutral and polar, with glycine, which is neutral and non-polar, at codon 404 of the MITF protein (p.Ser404Gly). This variant is not present in population databases (gnomAD no frequency). This variant has not been reported in the literature in individuals affected with MITF-related conditions. Advanced modeling of protein sequence and biophysical properties (such as structural, functional, and spatial information, amino acid conservation, physicochemical variation, residue mobility, and thermodynamic stability) performed at Invitae indicates that this missense variant is expected to disrupt MITF protein function with a positive predictive value of 80%. In summary, the available evidence is currently insufficient to determine the role of this variant in disease. Therefore, it has been classified as a Variant of Uncertain Significance.

Blueprint Genetics
Classification: Uncertain significance. Last evaluated: 2021-02-05. Review status: criteria provided, single submitter. Criteria: ACMG Guidelines, 2015. Collection method: clinical testing. Allele origin: germline.